The following is an entry in ClinVar:

ClinVar aggregate classification (germline): Uncertain significance (1 of 4 stars; one submission).

Submission:

Dasa
Classification: Uncertain significance. Last evaluated: 2026-03-20. Review status: criteria provided, single submitter. Criteria: DASA Assertion Criteria. Collection method: clinical testing. Allele origin: germline.
Comment: NM_005188.4(CBL):c.17A>C (p.Lys6Thr) is a missense variant that results in the substitution of lysine with threonine. This variant is rare in population databases. The currently available literature and clinical evidence are not sufficient to establish a definitive association between this variant and the reported condition. Therefore, this variant is classified as a variant of uncertain significance.

NM_005188.4(CBL):c.17A>C (p.Lys6Thr)

Genes: CBL (Cbl proto-oncogene; plus strand), LOC130006895 (ATAC-STARR-seq lymphoblastoid silent region 3975; plus strand). Cytogenetic location: 11q23.3.
Variant type: single nucleotide variant.
Coding change: c.17A>C on transcript NM_005188.4 (MANE Select); coding-DNA position 17, A replaced by C.
Protein change: p.Lys6Thr; replaces lysine 6 with threonine.
Molecular consequence: missense variant.
Genome position (GRCh38, 1-based): chr11:119,206,434, A>C. VCF-style: chr11-119206434-A-C. GRCh37 (hg19) VCF-style: chr11-119077144-A-C.
Other names: short protein forms K6T.
Identifiers: ClinVar variation 4856886 (VCV004856886.2).